The following is an entry in ClinVar:

NM_002861.5(PCYT2):c.198G>A (p.Lys66=)

Gene: PCYT2 (phosphate cytidylyltransferase 2, ethanolamine; minus strand). Cytogenetic location: 17q25.3.
Variant type: single nucleotide variant.
Coding change: c.198G>A on transcript NM_002861.5 (MANE Select); coding-DNA position 198, G replaced by A.
Protein change: p.Lys66=; no amino-acid change (lysine 66 retained).
Molecular consequence: synonymous variant. On other transcripts: 5 prime UTR variant (2), intron variant (1).
Genome position (GRCh38, 1-based): chr17:81,909,018, C>T on the plus strand (G>A on the coding strand, the complement: PCYT2 is on the minus strand). VCF-style: chr17-81909018-C-T. GRCh37 (hg19) VCF-style: chr17-79866894-C-T.
Other names: c.198G>A, p.Lys66= (NM_001184917.3, NM_001330518.2); c.21G>A, p.Lys7= (NM_001256434.3); c.-37G>A (NM_001256435.3, NM_001282203.2); c.102G>A, p.Lys34= (NM_001282204.2); c.179-384G>A (NM_001256433.3).
Identifiers: ClinVar variation 4822141 (VCV004822141.4).

ClinVar aggregate classification (germline): Likely benign (1 of 4 stars; one submission).

Submission:

CeGaT Center for Human Genetics Tuebingen
Classification: Likely benign. Last evaluated: 2026-02-01. Review status: criteria provided, single submitter. Criteria: CeGaT Center For Human Genetics Tuebingen Variant Classification Criteria Version 2. Collection method: clinical testing. Allele origin: germline. Affected: yes. Observed: 1 variant allele.
Comment: PCYT2: BP4, BP7